The following is an entry in ClinVar:

ClinVar aggregate classification (germline): Uncertain significance (1 of 4 stars; one submission).

Conditions:
Hereditary cancer-predisposing syndrome. Also called: Hereditary Cancer Syndrome; Hereditary neoplastic syndrome; Neoplastic Syndromes, Hereditary; Tumor predisposition. Identifiers: Orphanet 140162, MedGen C0027672, MeSH D009386, MONDO:0015356.

Submission:

Ambry Genetics
Classification: Uncertain significance for Hereditary cancer-predisposing syndrome. Last evaluated: 2026-07-08. Review status: criteria provided, single submitter. Criteria: Ambry Variant Classification Scheme 2023. Collection method: clinical testing. Allele origin: germline.
Comment: The p.Q578P variant (also known as c.1733A>C), located in coding exon 9 of the MEN1 gene, results from an A to C substitution at nucleotide position 1733. The glutamine at codon 578 is replaced by proline, an amino acid with similar properties. This amino acid position is highly conserved in available vertebrate species. In addition, this alteration is predicted to be deleterious by in silico analysis. Based on the available evidence, the clinical significance of this variant remains unclear.

NM_001370259.2(MEN1):c.1733A>C (p.Gln578Pro)

Gene: MEN1 (menin 1; minus strand). Cytogenetic location: 11q13.1.
Variant type: single nucleotide variant.
Coding change: c.1733A>C on transcript NM_001370259.2 (MANE Select); coding-DNA position 1733, A replaced by C.
Protein change: p.Gln578Pro; replaces glutamine 578 with proline.
Molecular consequence: missense variant.
Genome position (GRCh38, 1-based): chr11:64,804,434, T>G on the plus strand (A>C on the coding strand, the complement: MEN1 is on the minus strand). VCF-style: chr11-64804434-T-G. GRCh37 (hg19) VCF-style: chr11-64571906-T-G.
Other names: c.1748A>C, p.Gln583Pro (NM_000244.4, NM_001407145.1, NM_130800.3 and 4 more transcripts); c.1859A>C, p.Gln620Pro (NM_001370251.2, NM_001407142.1, NM_001407143.1 and 1 more transcripts); c.1733A>C, p.Gln578Pro (NM_001370260.2, NM_001370261.2, NM_001407146.1 and 2 more transcripts); c.1628A>C, p.Gln543Pro (NM_001370262.2, NM_001370263.2, NM_001407148.1 and 1 more transcripts); c.1874A>C, p.Gln625Pro (NM_001407150.1); c.1754A>C, p.Gln585Pro (NM_001407151.1); c.1568A>C, p.Gln523Pro (NM_001407152.1); short protein forms Q543P, Q583P, Q585P, Q523P, Q578P, Q620P, Q625P.
Identifiers: ClinVar variation 1779021 (VCV001779021.3), dbSNP rs2497102957, ClinGen allele CA381177530.